The following is an entry in ClinVar:

ClinVar aggregate classification (germline): Pathogenic. Review status: criteria provided, multiple submitters, no conflicts (2 of 4 stars). 2 submissions from 2 submitters: Pathogenic (2). Last evaluated 2026-05-26.

Conditions:
Hereditary breast ovarian cancer syndrome. Also called: Hereditary breast and ovarian cancer syndrome (HBOC); Breast and ovarian cancer; BRCA1- and BRCA2-Associated Hereditary Breast and Ovarian Cancer; Hereditary breast and ovarian cancer; Hereditary breast and ovarian cancer syndrome; Hereditary breast and/or ovarian cancer syndrome. Identifiers: Orphanet 145, MedGen C0677776, MeSH D061325, MONDO:0003582. Disease mechanism: loss of function.

Submissions (2):

Women's Health and Genetics/Laboratory Corporation of America, LabCorp
Classification: Pathogenic for Hereditary breast ovarian cancer syndrome. Last evaluated: 2026-05-26. Review status: criteria provided, single submitter. Criteria: LabCorp Variant Classification Summary - May 2015. Collection method: clinical testing. Allele origin: germline.
Comment: Variant summary: BRCA2 c.3540_3543delGCAA (p.Lys1180AsnfsX16) results in a premature termination codon, predicted to cause a truncation of the encoded protein or absence of the protein due to nonsense mediated decay, which are commonly known mechanisms for disease. The variant was absent in 250922 control chromosomes. To our knowledge, no occurrence of c.3540_3543delGCAA in individuals affected with BRCA2-related conditions and no experimental evidence demonstrating its impact on protein function have been reported. ClinVar contains an entry for this variant (Variation ID: 649878). Based on the evidence outlined above, the variant was classified as pathogenic.

Labcorp Genetics (formerly Invitae), Labcorp
Classification: Pathogenic for Hereditary breast ovarian cancer syndrome. Last evaluated: 2018-10-30. Review status: criteria provided, single submitter. Criteria: Invitae Variant Classification Sherloc (09022015). Collection method: clinical testing. Allele origin: germline.
Comment: For these reasons, this variant has been classified as Pathogenic. Loss-of-function variants in BRCA2 are known to be pathogenic (PMID: 20104584). This variant has not been reported in the literature in individuals with BRCA2-related disease. This variant is not present in population databases (ExAC no frequency). This sequence change creates a premature translational stop signal (p.Lys1180Asnfs*16) in the BRCA2 gene. It is expected to result in an absent or disrupted protein product.

Literature cited by the submitters: PubMed 20104584 (cited by Labcorp Genetics (formerly Invitae), Labcorp).

NM_000059.4(BRCA2):c.3540_3543del (p.Lys1180fs)

Gene: BRCA2 (BRCA2 DNA repair associated; plus strand). Cytogenetic location: 13q13.1.
Variant type: Microsatellite.
Coding change: c.3540_3543del on transcript NM_000059.4 (MANE Select); coding-DNA positions 3540 to 3543, 4 bases deleted (GCAA; older notation c.3540_3543delGCAA).
Protein change: p.Lys1180fs; shifts the reading frame from lysine 1180.
Molecular consequence: frameshift variant.
Genome position (GRCh38, 1-based): chr13:32,337,895-32,337,898, GCAA deleted; deleting any 4 consecutive bases within chr13:32,337,890-32,337,898 gives the same sequence; the c. name uses the placement nearest the transcript's 3' end. VCF-style (leftmost placement, unchanged base first): chr13-32337889-CAGCA-C. GRCh37 (hg19) VCF-style: chr13-32912026-CAGCA-C.
Other names: c.3540_3543delGCAA (NM_000059.3, NM_000059.4); short protein forms K1180fs.
Identifiers: ClinVar variation 649878 (VCV000649878.8), dbSNP rs1593899837, ClinGen allele CA915948453.